The following is an entry in ClinVar:

NM_052874.5(STX1B):c.701_702insACATTGACCG (p.Tyr234Ter)

Gene: STX1B (syntaxin 1B; minus strand). Cytogenetic location: 16p11.2.
Variant type: Insertion.
Coding change: c.701_702insACATTGACCG on transcript NM_052874.5 (MANE Select); coding-DNA positions 701 to 702, ACATTGACCG inserted.
Protein change: p.Tyr234Ter; replaces tyrosine 234 with a stop codon.
Molecular consequence: nonsense.
Genome position: GRCh38 VCF-style: chr16-30993214-G-GCGGTCAATGT. GRCh37 (hg19) VCF-style: chr16-31004535-G-GCGGTCAATGT.
Other names: short protein forms Y234*.
Identifiers: ClinVar variation 1691871 (VCV001691871.1), dbSNP rs2143661528, ClinGen allele CA2573152353.

ClinVar aggregate classification (germline): Likely pathogenic (1 of 4 stars; one submission).

Conditions:
Generalized epilepsy with febrile seizures plus, type 9 (GEFSP9). Also called: GEFS+, TYPE 9. Identifiers: Orphanet 36387, MedGen C4015395, MONDO:0014517, OMIM 616172.

Submission:

Institute of Human Genetics, University of Leipzig Medical Center
Classification: Likely pathogenic for Generalized epilepsy with febrile seizures plus, type 9. Last evaluated: 2022-06-01. Review status: criteria provided, single submitter. Criteria: ACMG Guidelines, 2015. Collection method: clinical testing. Allele origin: maternal. Affected: yes.
Comment: _x000D_ Criteria applied: PVS1, PM2_SUP